The following is an entry in ClinVar:

NM_173628.4(DNAH17):c.2563C>G (p.Leu855Val)

Gene: DNAH17 (dynein axonemal heavy chain 17; minus strand). Cytogenetic location: 17q25.3.
Variant type: single nucleotide variant.
Coding change: c.2563C>G on transcript NM_173628.4 (MANE Select); coding-DNA position 2563, C replaced by G.
Protein change: p.Leu855Val; replaces leucine 855 with valine.
Molecular consequence: missense variant.
Genome position (GRCh38, 1-based): chr17:78,539,850, G>C on the plus strand (C>G on the coding strand, the complement: DNAH17 is on the minus strand). VCF-style: chr17-78539850-G-C. GRCh37 (hg19) VCF-style: chr17-76535932-G-C.
Other names: NC_000017.10:g.76535932G>C; short protein forms L855V.
Identifiers: ClinVar variation 3039193 (VCV003039193.3), dbSNP rs61743408, ClinGen allele CA8804591.

ClinVar aggregate classification (germline): Benign (0 of 4 stars; one submission).

Conditions:
DNAH17-related disorder. Also called: DNAH17-related condition.

Allele frequency attached by ClinVar (database versions not stated): gnomAD exomes 0.00183; ExAC 0.00496; ESP Exome Variant Server 0.01344; gnomAD 0.01513; TOPMed 0.01626; 1000 Genomes Project 30x 0.01874; 1000 Genomes Project 0.01877.
gnomAD v4.1: 5,107 of 1,609,642 alleles (0.32%); highest among the groups gnomAD compares: African/African-American, 5.1%; 130 homozygotes.

Submissions (4):

PreventionGenetics, part of Exact Sciences
Classification: Benign for DNAH17-related condition. Last evaluated: 2019-05-24. Review status: no assertion criteria provided. Collection method: clinical testing. Allele origin: germline.
Comment: This variant is classified as benign based on ACMG/AMP sequence variant interpretation guidelines (Richards et al. 2015 PMID: 25741868, with internal and published modifications).

Dr. Peter K. Rogan Lab, Western University
No classification provided (evidence only). Condition: Uterine corpus endometrial carcinoma. Review status: no classification provided. Collection method: in vitro. Allele origin: not applicable. Functional consequence: retained intron. Not counted in ClinVar's aggregate classification.

Dr. Peter K. Rogan Lab, Western University
No classification provided (evidence only). Condition: Cervical cancer. Review status: no classification provided. Collection method: in vitro. Allele origin: not applicable. Functional consequence: retained intron. Not counted in ClinVar's aggregate classification.

Dr. Peter K. Rogan Lab, Western University
No classification provided (evidence only). Condition: Ovarian serous cystadenocarcinoma. Review status: no classification provided. Collection method: in vitro. Allele origin: not applicable. Functional consequence: retained intron. Not counted in ClinVar's aggregate classification.